The following is an entry in ClinVar:

NM_001164664.2(MAST4):c.40C>G (p.Arg14Gly)

Gene: MAST4 (microtubule associated serine/threonine kinase family member 4; plus strand). Cytogenetic location: 5q12.3.
Variant type: single nucleotide variant.
Coding change: c.40C>G on transcript NM_001164664.2 (MANE Select); coding-DNA position 40, C replaced by G.
Protein change: p.Arg14Gly; replaces arginine 14 with glycine.
Molecular consequence: missense variant.
Genome position (GRCh38, 1-based): chr5:66,596,695, C>G. VCF-style: chr5-66596695-C-G. GRCh37 (hg19) VCF-style: chr5-65892523-C-G.
Other names: c.40C>G, p.Arg14Gly (NM_001290228.2, NM_001393524.1, NM_001393525.1 and 1 more transcripts); short protein forms R14G.
Identifiers: ClinVar variation 4280785 (VCV004280785.7).

ClinVar aggregate classification (germline): Likely benign (1 of 4 stars; one submission).

gnomAD v4.1: 2,427 of 1,471,582 alleles (0.16%); highest among the groups gnomAD compares: Non-Finnish European, 0.2%; 3 homozygotes.

Submission:

CeGaT Center for Human Genetics Tuebingen
Classification: Likely benign. Last evaluated: 2025-09-01. Review status: criteria provided, single submitter. Criteria: CeGaT Center For Human Genetics Tuebingen Variant Classification Criteria Version 2. Collection method: clinical testing. Allele origin: germline. Affected: yes. Observed: 1 variant allele.
Comment: MAST4: BS2